The following is an entry in ClinVar:

NM_001199138.2(NLRC4):c.1711C>G (p.Leu571Val)

Gene: NLRC4 (NLR family CARD domain containing 4; minus strand). Cytogenetic location: 2p22.3.
Variant type: single nucleotide variant.
Coding change: c.1711C>G on transcript NM_001199138.2 (MANE Select); coding-DNA position 1711, C replaced by G.
Protein change: p.Leu571Val; replaces leucine 571 with valine.
Molecular consequence: missense variant. On other transcripts: intron variant (1).
Genome position (GRCh38, 1-based): chr2:32,250,153, G>C on the plus strand (C>G on the coding strand, the complement: NLRC4 is on the minus strand). VCF-style: chr2-32250153-G-C. GRCh37 (hg19) VCF-style: chr2-32475222-G-C.
Other names: c.1711C>G, p.Leu571Val (NM_001199139.2, NM_021209.5); c.262+2266C>G (NM_001302504.1); short protein forms L571V.
Identifiers: ClinVar variation 2126728 (VCV002126728.4), dbSNP rs764296408, ClinGen allele CA1601940.

ClinVar aggregate classification (germline): Uncertain significance (1 of 4 stars; one submission).

Conditions:
Periodic fever-infantile enterocolitis-autoinflammatory syndrome. Also called: Autoinflammation with infantile enterocolitis. Identifiers: Orphanet 436166, MedGen C4015067, MONDO:0014472, OMIM 616050.
Familial cold autoinflammatory syndrome 4 (FCAS4). Identifiers: Orphanet 47045, Orphanet 576349, MedGen C4015276, MONDO:0014498, OMIM 616115.

Allele frequency attached by ClinVar (database versions not stated): ExAC 0.00001.

Submission:

Labcorp Genetics (formerly Invitae), Labcorp
Classification: Uncertain significance for Periodic fever-infantile enterocolitis-autoinflammatory syndrome; Familial cold autoinflammatory syndrome 4. Last evaluated: 2022-05-10. Review status: criteria provided, single submitter. Criteria: Invitae Variant Classification Sherloc (09022015). Collection method: clinical testing. Allele origin: germline.
Comment: This sequence change replaces leucine, which is neutral and non-polar, with valine, which is neutral and non-polar, at codon 571 of the NLRC4 protein (p.Leu571Val). This variant is present in population databases (rs764296408, gnomAD 0.0009%). This variant has not been reported in the literature in individuals affected with NLRC4-related conditions. Algorithms developed to predict the effect of missense changes on protein structure and function (SIFT, PolyPhen-2, Align-GVGD) all suggest that this variant is likely to be disruptive. In summary, the available evidence is currently insufficient to determine the role of this variant in disease. Therefore, it has been classified as a Variant of Uncertain Significance.